The following is an entry in ClinVar:

ClinVar aggregate classification (germline): Uncertain significance (1 of 4 stars; one submission).

Allele frequency attached by ClinVar (database versions not stated): gnomAD 0.00002; gnomAD exomes 0.00002.
gnomAD v4.1: 28 of 1,551,762 alleles (0.0018%); highest among the groups gnomAD compares: Admixed American, 0.0039%; no homozygotes.

Submission:

Labcorp Genetics (formerly Invitae), Labcorp
Classification: Uncertain significance. Last evaluated: 2022-06-05. Review status: criteria provided, single submitter. Criteria: Invitae Variant Classification Sherloc (09022015). Collection method: clinical testing. Allele origin: germline.
Comment: In summary, the available evidence is currently insufficient to determine the role of this variant in disease. Therefore, it has been classified as a Variant of Uncertain Significance. Algorithms developed to predict the effect of missense changes on protein structure and function (SIFT, PolyPhen-2, Align-GVGD) all suggest that this variant is likely to be tolerated. This variant has not been reported in the literature in individuals affected with WDR87-related conditions. This variant is present in population databases (no rsID available, gnomAD 0.008%). This sequence change replaces valine, which is neutral and non-polar, with isoleucine, which is neutral and non-polar, at codon 1310 of the WDR87 protein (p.Val1310Ile).

NM_001291088.2(WDR87):c.4045G>A (p.Val1349Ile)

Gene: WDR87 (WD repeat domain 87; minus strand). Cytogenetic location: 19q13.13.
Variant type: single nucleotide variant.
Coding change: c.4045G>A on transcript NM_001291088.2 (MANE Select); coding-DNA position 4045, G replaced by A.
Protein change: p.Val1349Ile; replaces valine 1349 with isoleucine.
Molecular consequence: missense variant.
Genome position (GRCh38, 1-based): chr19:37,889,626, C>T on the plus strand (G>A on the coding strand, the complement: WDR87 is on the minus strand). VCF-style: chr19-37889626-C-T. GRCh37 (hg19) VCF-style: chr19-38380266-C-T.
Other names: c.3928G>A, p.Val1310Ile (NM_031951.5); short protein forms V1349I, V1310I.
Identifiers: ClinVar variation 1980110 (VCV001980110.4), dbSNP rs1354471385, ClinGen allele CA405610800.